The following is an entry in ClinVar:

ClinVar aggregate classification (germline): Conflicting classifications of pathogenicity. Review status: criteria provided, conflicting classifications (1 of 4 stars). 2 submissions from 2 submitters: Uncertain significance (1); Likely benign (1). Last evaluated 2025-04-01.

Allele frequency attached by ClinVar (database versions not stated): TOPMed below 0.00001; ExAC 0.00001; gnomAD 0.00001; gnomAD exomes 0.00001.

Submissions (2):

CeGaT Center for Human Genetics Tuebingen
Classification: Likely benign. Last evaluated: 2025-04-01. Review status: criteria provided, single submitter. Criteria: CeGaT Center For Human Genetics Tuebingen Variant Classification Criteria Version 2. Collection method: clinical testing. Allele origin: germline. Affected: yes. Observed: 3 variant alleles.
Comment: TTN: BP4

GeneDx
Classification: Uncertain significance. Last evaluated: 2014-06-10. Review status: criteria provided, single submitter. Criteria: GeneDx Variant Classification (06012015). Collection method: clinical testing. Allele origin: germline. Affected: yes.
Comment: Missense variants in the TTN gene are considered 'unclassified' if they are not previously reported in the literature and do not have >1% frequency in the population to be considered a polymorphism. Research indicates that truncating mutations in the TTN gene are expected to account for approximately 25% of familial and 18% of sporadic idiopathic DCM; however, truncating variants in the TTN gene have been reported in approximately 3% of reported control alleles. There has been little investigation into non-truncating variants. (Herman D et al. Truncations of titin causing dilated cardiomyopathy. N Eng J Med 366:619-628, 2012) The variant is found in CARDIOMYOPATHY panel(s).

NM_133379.5(TTN):c.14656A>G (p.Asn4886Asp)

Genes: TTN (titin; minus strand), LOC126806432 (CDK7 strongly-dependent group 2 enhancer GRCh37_chr2:179611985-179613184; plus strand). Cytogenetic location: 2q31.2.
Variant type: single nucleotide variant.
Coding change: c.14656A>G on transcript NM_133379.5; coding-DNA position 14656, A replaced by G.
Protein change: p.Asn4886Asp; replaces asparagine 4886 with aspartic acid.
Molecular consequence: missense variant. On other transcripts: intron variant (6).
Genome position (GRCh38, 1-based): chr2:178,747,744, T>C on the plus strand (A>G on the coding strand, the complement: TTN is on the minus strand). VCF-style: chr2-178747744-T-C. GRCh37 (hg19) VCF-style: chr2-179612471-T-C.
Other names: p.N4886D:AAT>GAT; c.10222+5380A>G (NM_003319.4); c.10798+5380A>G (NM_133437.4); c.10597+5380A>G (NM_133432.3); c.10360+5380A>G (NM_133378.4, NM_001256850.1); c.11311+5380A>G (NM_001267550.2); short protein forms N4886D.
Identifiers: ClinVar variation 203205 (VCV000203205.26), dbSNP rs753546575, ClinGen allele CA311674.
Genomic context (GRCh38, chr2:178,747,744, plus strand): 5'-TTAGGGAGGTCTCAGATTCTGCTGCCTCAGTGGTATGTGCCTCATCTAATTTAGGAATAT[T>C]TTGAGAAAAACTAGTTTCTATCATTTCTCCTTCTAAAGTGGAGAAAGAAGCTTCATTCTG-3'